The following is an entry in ClinVar:

NM_014956.5(CEP164):c.3416G>A (p.Arg1139His)

Gene: CEP164 (centrosomal protein 164; plus strand). Cytogenetic location: 11q23.3.
Variant type: single nucleotide variant.
Coding change: c.3416G>A on transcript NM_014956.5 (MANE Select); coding-DNA position 3416, G replaced by A.
Protein change: p.Arg1139His; replaces arginine 1139 with histidine.
Molecular consequence: missense variant.
Genome position (GRCh38, 1-based): chr11:117,397,228, G>A. VCF-style: chr11-117397228-G-A. GRCh37 (hg19) VCF-style: chr11-117267944-G-A.
Other names: c.3425G>A, p.Arg1142His (NM_001271933.2); short protein forms R1139H, R1142H.
Identifiers: ClinVar variation 966155 (VCV000966155.8), dbSNP rs143802594, ClinGen allele CA6295447.

ClinVar aggregate classification (germline): Uncertain significance. Review status: criteria provided, multiple submitters, no conflicts (2 of 4 stars). 2 submissions from 2 submitters: Uncertain significance (2). Last evaluated 2026-08-07.

Conditions:
CEP164-related disorder. Also called: CEP164-related condition.
Nephronophthisis 15 (NPHP15). Identifiers: Orphanet 3156, MedGen C3541853, MONDO:0013917, OMIM 614845.

Allele frequency attached by ClinVar (database versions not stated): TOPMed 0.00006; 1000 Genomes Project 0.00020; 1000 Genomes Project 30x 0.00031.
gnomAD v4.1: 25 of 1,614,224 alleles (0.0015%); highest among the groups gnomAD compares: African/African-American, 0.017%; no homozygotes.

Submissions (2):

PreventionGenetics, part of Exact Sciences
Classification: Uncertain significance for CEP164-related condition. Last evaluated: 2026-08-07. Review status: criteria provided, single submitter. Criteria: ACMG Guidelines, 2015. Collection method: clinical testing. Allele origin: germline.
Comment: The CEP164 c.3416G>A variant is predicted to result in the amino acid substitution p.Arg1139His. To our knowledge, this variant has not been reported in the literature. This variant is reported in 0.0080% of alleles in individuals of African descent in gnomAD. At this time, the clinical significance of this variant is uncertain due to the absence of conclusive functional and genetic evidence.

Labcorp Genetics (formerly Invitae), Labcorp
Classification: Uncertain significance for Nephronophthisis 15. Last evaluated: 2025-07-30. Review status: criteria provided, single submitter. Criteria: Invitae Variant Classification Sherloc (09022015). Collection method: clinical testing. Allele origin: germline.
Comment: This sequence change replaces arginine, which is basic and polar, with histidine, which is basic and polar, at codon 1139 of the CEP164 protein (p.Arg1139His). This variant is present in population databases (rs143802594, gnomAD 0.01%). This variant has not been reported in the literature in individuals affected with CEP164-related conditions. ClinVar contains an entry for this variant (Variation ID: 966155). Invitae Evidence Modeling of protein sequence and biophysical properties (such as structural, functional, and spatial information, amino acid conservation, physicochemical variation, residue mobility, and thermodynamic stability) indicates that this missense variant is not expected to disrupt CEP164 protein function with a negative predictive value of 80%. In summary, the available evidence is currently insufficient to determine the role of this variant in disease. Therefore, it has been classified as a Variant of Uncertain Significance.